The following is an entry in ClinVar:

NM_000392.5(ABCC2):c.1249_1250inv (p.Val417Thr)

Gene: ABCC2 (ATP binding cassette subfamily C member 2; plus strand). Cytogenetic location: 10q24.2.
Variant type: Inversion.
Coding change: c.1249_1250inv on transcript NM_000392.5 (MANE Select).
Protein change: p.Val417Thr; replaces valine 417 with threonine.
Molecular consequence: missense variant.
Genome position: GRCh38 VCF-style: chr10-99804058-GT-AC. GRCh37 (hg19) VCF-style: chr10-101563815-GT-AC.
Other names: c.1249_1250inv, p.Val417Thr (LRG_1208t1); c.1249_1250delinsAC (NM_000392.4); short protein forms V417T.
Identifiers: ClinVar variation 499624 (VCV000499624.7), ClinGen allele CA658797526.

ClinVar aggregate classification (germline): Uncertain significance. Review status: criteria provided, multiple submitters, no conflicts (2 of 4 stars). 3 submissions from 3 submitters: Uncertain significance (3). Last evaluated 2026-04-30.

Conditions:
ABCC2-related disorder. Also called: ABCC2-related condition.

Submissions (3):

PreventionGenetics, part of Exact Sciences
Classification: Uncertain significance for ABCC2-related condition. Last evaluated: 2026-04-30. Review status: criteria provided, single submitter. Criteria: ACMG Guidelines, 2015. Collection method: clinical testing. Allele origin: germline.
Comment: The ABCC2 c.1249_1250delinsAC variant is predicted to result in an in-frame deletion and insertion. To our knowledge, this variant has not been reported in the literature or in gnomAD, indicating this variant is rare. At this time, the clinical significance of this variant is uncertain due to the absence of conclusive functional and genetic evidence.

Labcorp Genetics (formerly Invitae), Labcorp
Classification: Uncertain significance. Last evaluated: 2024-10-15. Review status: criteria provided, single submitter. Criteria: Invitae Variant Classification Sherloc (09022015). Collection method: clinical testing. Allele origin: germline.
Comment: This sequence change replaces valine, which is neutral and non-polar, with threonine, which is neutral and polar, at codon 417 of the ABCC2 protein (p.Val417Thr). This variant is present in population databases (no rsID available, gnomAD 0.04%). This variant has not been reported in the literature in individuals affected with ABCC2-related conditions. ClinVar contains an entry for this variant (Variation ID: 499624). An algorithm developed to predict the effect of missense changes on protein structure and function (PolyPhen-2) suggests that this variant is likely to be disruptive. In summary, the available evidence is currently insufficient to determine the role of this variant in disease. Therefore, it has been classified as a Variant of Uncertain Significance.

Eurofins Ntd Llc (ga)
Classification: Uncertain significance. Last evaluated: 2018-05-08. Review status: criteria provided, single submitter. Criteria: EGL ClinVar v180209 classification definitions. Collection method: clinical testing. Allele origin: germline. Observed: 2 variant alleles, 2 heterozygotes.